The following is an entry in ClinVar:

ClinVar aggregate classification (germline): Likely benign. Review status: criteria provided, multiple submitters, no conflicts (2 of 4 stars). 3 submissions from 3 submitters: Likely benign (3). Last evaluated 2025-12-09.

Conditions:
Catecholaminergic polymorphic ventricular tachycardia (CVPT). Also called: Catecholamine-induced polymorphic ventricular tachycardia. Identifiers: Orphanet 3286, MedGen C5574922, MONDO:0017990.
Catecholaminergic polymorphic ventricular tachycardia 1. Also called: VENTRICULAR TACHYCARDIA, STRESS-INDUCED POLYMORPHIC 1; VENTRICULAR TACHYCARDIA, CATECHOLAMINERGIC POLYMORPHIC, 1, WITH OR WITHOUT ATRIAL DYSFUNCTION AND/OR DILATED CARDIOMYOPATHY; RYR2-Related Catecholaminergic Polymorphic Ventricular Tachycardia. Identifiers: Orphanet 3286, MedGen C1631597, MONDO:0011484, OMIM 604772.
Cardiomyopathy (CMYO). Also called: Cardiomyopathies. Identifiers: Orphanet 167848, MedGen C0878544, MONDO:0004994, HP:0001638. Inheritance: Various modes of inheritance.

Allele frequency attached by ClinVar (database versions not stated): gnomAD exomes below 0.00001; TOPMed below 0.00001; ESP Exome Variant Server 0.00008.
gnomAD v4.1: 2 of 1,614,034 alleles (0.00012%); highest among the groups gnomAD compares: Non-Finnish European, 0.00017%; no homozygotes.

Submissions (3):

Labcorp Genetics (formerly Invitae), Labcorp
Classification: Likely benign for Catecholaminergic polymorphic ventricular tachycardia 1. Last evaluated: 2025-12-09. Review status: criteria provided, single submitter. Criteria: Invitae Variant Classification Sherloc (09022015). Collection method: clinical testing. Allele origin: germline.

All of Us Research Program, National Institutes of Health
Classification: Likely benign for Catecholaminergic polymorphic ventricular tachycardia. Last evaluated: 2023-07-10. Review status: criteria provided, single submitter. Criteria: ACMG Guidelines, 2015. Collection method: clinical testing. Allele origin: germline. Inheritance: Autosomal dominant inheritance. Observed: 2 variant alleles, 2 heterozygotes.
Comment: This study involves interpretation of variants in research participants for the purpose of population health screening. Participant phenotype was not available at the time of variant classification. Additional details can be found in publication PMID: 35346344, PMCID: PMC8962531

Color Diagnostics, LLC DBA Color Health
Classification: Likely benign for Cardiomyopathy. Last evaluated: 2023-03-21. Review status: criteria provided, single submitter. Criteria: ACMG Guidelines, 2015. Collection method: clinical testing. Allele origin: germline.

NM_001035.3(RYR2):c.5025C>A (p.Ala1675=)

Gene: RYR2 (ryanodine receptor 2; plus strand). Cytogenetic location: 1q43.
Variant type: single nucleotide variant.
Coding change: c.5025C>A on transcript NM_001035.3 (MANE Select); coding-DNA position 5025, C replaced by A.
Protein change: p.Ala1675=; no amino-acid change (alanine 1675 retained).
Molecular consequence: synonymous variant.
Genome position (GRCh38, 1-based): chr1:237,614,153, C>A. VCF-style: chr1-237614153-C-A. GRCh37 (hg19) VCF-style: chr1-237777453-C-A.
Identifiers: ClinVar variation 2141352 (VCV002141352.5), dbSNP rs375643512, ClinGen allele CA39828076.
Genomic context (GRCh38, chr1:237,614,153, plus strand): 5'-TCACACTCTCCGGCTCTACTCAGCCGTCTGTGCTCTTGGGAACCACCGGGTGGCCCATGC[C>A]CTGTGCAGCCATGTGGATGAACCTCAGCTCCTCTATGCCATTGAGAACAAGTACATGCCT-3'
Protein context (NP_001026.2, residues 1665-1685): CALGNHRVAH[Ala1675=]LCSHVDEPQL